The following is an entry in ClinVar:

NM_001792.5(CDH2):c.2380G>A (p.Asp794Asn)

Genes: CDH2 (cadherin 2; minus strand), CDH2-AS1 (CDH2 antisense RNA 1; plus strand). Cytogenetic location: 18q12.1.
Variant type: single nucleotide variant.
Coding change: c.2380G>A on transcript NM_001792.5 (MANE Select); coding-DNA position 2380, G replaced by A.
Protein change: p.Asp794Asn; replaces aspartic acid 794 with asparagine.
Molecular consequence: missense variant.
Genome position (GRCh38, 1-based): chr18:27,963,491, C>T on the plus strand (G>A on the coding strand, the complement: CDH2 is on the minus strand). VCF-style: chr18-27963491-C-T. GRCh37 (hg19) VCF-style: chr18-25543455-C-T.
Other names: c.2287G>A, p.Asp763Asn (NM_001308176.2); c.2380G>A (NM_001792.3); short protein forms D763N, D794N.
Identifiers: ClinVar variation 1388483 (VCV001388483.9), dbSNP rs1037976434, ClinGen allele CA297662296.
Genomic context (GRCh38, chr18:27,963,491, plus strand): 5'-TGGGTCTTTCATCCATTCGTCGGATTCCCACAGGCTTGATGGCATCAGGCTCCACAGTGT[C>T]AGGCTGCTGCAGCTGGCTCAAGTCATAGTCCTGCAAAAAGACAAAATCAAAAACCGATGG-3'
Protein context (NP_001783.2, residues 784-804): DYDLSQLQQP[Asp794Asn]TVEPDAIKPV

ClinVar aggregate classification (germline): Uncertain significance. Review status: criteria provided, multiple submitters, no conflicts (2 of 4 stars). 2 submissions from 2 submitters: Uncertain significance (2). Last evaluated 2025-10-25.

Conditions:
Inborn genetic diseases. Identifiers: MedGen C0950123, MeSH D030342.

Allele frequency attached by ClinVar (database versions not stated): gnomAD 0.00001.
gnomAD v4.1: 2 of 1,613,952 alleles (0.00012%); highest among the groups gnomAD compares: Non-Finnish European, 0.00017%; no homozygotes.

Submissions (2):

Labcorp Genetics (formerly Invitae), Labcorp
Classification: Uncertain significance. Last evaluated: 2025-10-25. Review status: criteria provided, single submitter. Criteria: Invitae Variant Classification Sherloc (09022015). Collection method: clinical testing. Allele origin: germline.
Comment: This sequence change replaces aspartic acid, which is acidic and polar, with asparagine, which is neutral and polar, at codon 794 of the CDH2 protein (p.Asp794Asn). This variant is not present in population databases (gnomAD no frequency). This variant has not been reported in the literature in individuals affected with CDH2-related conditions. ClinVar contains an entry for this variant (Variation ID: 1388483). An algorithm developed to predict the effect of missense changes on protein structure and function (PolyPhen-2) suggests that this variant is likely to be disruptive. In summary, the available evidence is currently insufficient to determine the role of this variant in disease. Therefore, it has been classified as a Variant of Uncertain Significance.

Ambry Genetics
Classification: Uncertain significance for Inborn genetic diseases. Last evaluated: 2024-11-26. Review status: criteria provided, single submitter. Criteria: Ambry Variant Classification Scheme 2023. Collection method: clinical testing. Allele origin: germline.